The following is an entry in ClinVar:

NM_002627.5(PFKP):c.2139C>A (p.Thr713=)

Gene: PFKP (phosphofructokinase, platelet; plus strand). Cytogenetic location: 10p15.2.
Variant type: single nucleotide variant.
Coding change: c.2139C>A on transcript NM_002627.5 (MANE Select); coding-DNA position 2139, C replaced by A.
Protein change: p.Thr713=; no amino-acid change (threonine 713 retained).
Molecular consequence: synonymous variant.
Genome position (GRCh38, 1-based): chr10:3,135,752, C>A. VCF-style: chr10-3135752-C-A. GRCh37 (hg19) VCF-style: chr10-3177944-C-A.
Other names: c.2115C>A, p.Thr705= (NM_001242339.2); c.2058C>A, p.Thr686= (NM_001323067.2); c.1986C>A, p.Thr662= (NM_001323068.2); c.1632C>A, p.Thr544= (NM_001323069.2); c.1338C>A, p.Thr446= (NM_001323070.1); c.2025C>A, p.Thr675= (NM_001323071.2, NM_001323072.2, NM_001345944.1); c.1491C>A, p.Thr497= (NM_001323073.1, NM_001323074.1); c.2292C>A, p.Thr764= (NM_001410880.1).
Identifiers: ClinVar variation 4987721 (VCV004987721.1).

ClinVar aggregate classification (germline): Likely benign (1 of 4 stars; one submission).

Conditions:
PFKP-related disorder. Also called: PFKP-related condition.

gnomAD v4.1: 21 of 1,610,222 alleles (0.0013%); highest among the groups gnomAD compares: Non-Finnish European, 0.0017%; no homozygotes.

Submission:

PreventionGenetics, part of Exact Sciences
Classification: Likely benign for PFKP-related condition. Last evaluated: 2026-08-19. Review status: criteria provided, single submitter. Criteria: ACMG Guidelines, 2015. Collection method: clinical testing. Allele origin: germline.
Comment: This variant is classified as likely benign based on ACMG/AMP sequence variant interpretation guidelines (Richards et al. 2015 PMID: 25741868, with internal and published modifications).